The following is an entry in ClinVar:

NM_005911.6(MAT2A):c.13C>G (p.Leu5Val)

Gene: MAT2A (methionine adenosyltransferase 2A; plus strand). Cytogenetic location: 2p11.2.
Variant type: single nucleotide variant.
Coding change: c.13C>G on transcript NM_005911.6 (MANE Select); coding-DNA position 13, C replaced by G.
Protein change: p.Leu5Val; replaces leucine 5 with valine.
Molecular consequence: missense variant.
Genome position (GRCh38, 1-based): chr2:85,539,300, C>G. VCF-style: chr2-85539300-C-G. GRCh37 (hg19) VCF-style: chr2-85766423-C-G.
Other names: short protein forms L5V.
Identifiers: ClinVar variation 3713713 (VCV003713713.2).

ClinVar aggregate classification (germline): Uncertain significance (1 of 4 stars; one submission).

Conditions:
Familial thoracic aortic aneurysm and aortic dissection (TAAD). Also called: Thoracic aortic aneurysms and dissections. Identifiers: Orphanet 91387, MedGen C4707243, MONDO:0019625.

gnomAD v4.1: 1 of 1,605,602 alleles (0.000062%); highest among the groups gnomAD compares: Non-Finnish European, 0.000085%; no homozygotes.

Submission:

Labcorp Genetics (formerly Invitae), Labcorp
Classification: Uncertain significance for Familial thoracic aortic aneurysm and aortic dissection. Last evaluated: 2024-11-15. Review status: criteria provided, single submitter. Criteria: Invitae Variant Classification Sherloc (09022015). Collection method: clinical testing. Allele origin: germline.
Comment: This sequence change replaces leucine, which is neutral and non-polar, with valine, which is neutral and non-polar, at codon 5 of the MAT2A protein (p.Leu5Val). This variant is not present in population databases (gnomAD no frequency). This variant has not been reported in the literature in individuals affected with MAT2A-related conditions. An algorithm developed to predict the effect of missense changes on protein structure and function (PolyPhen-2) suggests that this variant is likely to be tolerated. In summary, the available evidence is currently insufficient to determine the role of this variant in disease. Therefore, it has been classified as a Variant of Uncertain Significance.